The following is an entry in ClinVar:

NM_014915.3(ANKRD26):c.1410G>C (p.Lys470Asn)

Gene: ANKRD26 (ankyrin repeat domain 26; minus strand). Cytogenetic location: 10p12.1.
Variant type: single nucleotide variant.
Coding change: c.1410G>C on transcript NM_014915.3 (MANE Select); coding-DNA position 1410, G replaced by C.
Protein change: p.Lys470Asn; replaces lysine 470 with asparagine.
Molecular consequence: missense variant.
Genome position (GRCh38, 1-based): chr10:27,061,196, C>G on the plus strand (G>C on the coding strand, the complement: ANKRD26 is on the minus strand). VCF-style: chr10-27061196-C-G. GRCh37 (hg19) VCF-style: chr10-27350125-C-G.
Other names: c.1410G>C, p.Lys470Asn (NM_001256053.2); short protein forms K470N.
Identifiers: ClinVar variation 5023205 (VCV005023205.1).

ClinVar aggregate classification (germline): Uncertain significance (1 of 4 stars; one submission).

Conditions:
Inborn genetic diseases. Identifiers: MedGen C0950123, MeSH D030342.

Submission:

Ambry Genetics
Classification: Uncertain significance for Inborn genetic diseases. Last evaluated: 2026-07-19. Review status: criteria provided, single submitter. Criteria: Ambry Variant Classification Scheme 2023. Collection method: clinical testing. Allele origin: germline.
Comment: The p.K470N variant (also known as c.1410G>C), located in coding exon 13 of the ANKRD26 gene, results from a G to C substitution at nucleotide position 1410. The lysine at codon 470 is replaced by asparagine, an amino acid with similar properties. This amino acid position is conserved. In addition, this alteration is predicted to be tolerated by in silico analysis. Based on the available evidence, the clinical significance of this variant remains unclear.